The following is an entry in ClinVar:

ClinVar aggregate classification (germline): Uncertain significance (1 of 4 stars; one submission).

Conditions:
Biotin-responsive basal ganglia disease (BTBGD). Also called: Thiamine metabolism dysfunction syndrome 2 (biotin- or thiamine-responsive encephalopathy type 2); Thiamine metabolism dysfunction syndrome type 2; Thiamine Transporter-2 Deficiency; thiamine-responsive encephalopathy; THIAMINE METABOLISM DYSFUNCTION SYNDROME 2 (BIOTIN- AND THIAMINE-RESPONSIVE TYPE). Identifiers: Orphanet 199348, Orphanet 65284, MedGen C1843807, MONDO:0011841, OMIM 607483.

Submission:

Labcorp Genetics (formerly Invitae), Labcorp
Classification: Uncertain significance for Biotin-responsive basal ganglia disease. Last evaluated: 2023-07-07. Review status: criteria provided, single submitter. Criteria: Invitae Variant Classification Sherloc (09022015). Collection method: clinical testing. Allele origin: germline.
Comment: ClinVar contains an entry for this variant (Variation ID: 2080693). This variant has not been reported in the literature in individuals affected with SLC19A3-related conditions. This variant is not present in population databases (gnomAD no frequency). This sequence change replaces threonine, which is neutral and polar, with serine, which is neutral and polar, at codon 6 of the SLC19A3 protein (p.Thr6Ser). Advanced modeling of protein sequence and biophysical properties (such as structural, functional, and spatial information, amino acid conservation, physicochemical variation, residue mobility, and thermodynamic stability) performed at Invitae indicates that this missense variant is not expected to disrupt SLC19A3 protein function. In summary, the available evidence is currently insufficient to determine the role of this variant in disease. Therefore, it has been classified as a Variant of Uncertain Significance.

NM_025243.4(SLC19A3):c.17C>G (p.Thr6Ser)

Gene: SLC19A3 (solute carrier family 19 member 3; minus strand). Cytogenetic location: 2q36.3.
Variant type: single nucleotide variant.
Coding change: c.17C>G on transcript NM_025243.4 (MANE Select); coding-DNA position 17, C replaced by G.
Protein change: p.Thr6Ser; replaces threonine 6 with serine.
Molecular consequence: missense variant. On other transcripts: 5 prime UTR variant (2).
Genome position (GRCh38, 1-based): chr2:227,702,302, G>C on the plus strand (C>G on the coding strand, the complement: SLC19A3 is on the minus strand). VCF-style: chr2-227702302-G-C. GRCh37 (hg19) VCF-style: chr2-228567018-G-C.
Other names: c.17C>G, p.Thr6Ser (NM_001371411.1, NM_001371412.1); c.-192C>G (NM_001371413.1, NM_001371414.1); short protein forms T6S.
Identifiers: ClinVar variation 2080693 (VCV002080693.4), dbSNP rs773766196, ClinGen allele CA350878126.